The following is an entry in ClinVar:

NM_001768.7(CD8A):c.509dup (p.Ala171fs)

Gene: CD8A (CD8 subunit alpha; minus strand). Cytogenetic location: 2p11.2.
Variant type: Duplication.
Coding change: c.509dup on transcript NM_001768.7 (MANE Select); coding-DNA position 509, one base duplicated (G; older notation c.509dupG).
Protein change: p.Ala171fs; shifts the reading frame from alanine 171.
Molecular consequence: frameshift variant. On other transcripts: non-coding transcript variant (3).
Genome position (GRCh38, 1-based): chr2:86,789,645, C duplicated on the plus strand (G on the coding strand, the reverse complement: CD8A is on the minus strand); the first of 6 consecutive C bases (chr2:86,789,645-86,789,650); duplicating any one gives the same sequence. VCF-style (leftmost placement, unchanged base first): chr2-86789644-G-GC. GRCh37 (hg19) VCF-style: chr2-87016767-G-GC.
Other names: c.509dup, p.Ala171fs (NM_001145873.1, NM_001382698.1, NM_171827.4); short protein forms A171fs.
Identifiers: ClinVar variation 1009961 (VCV001009961.6), dbSNP rs1673182671, ClinGen allele CA534249948.
Genomic context (GRCh38, chr2:86,789,644, plus strand): 5'-CATGGGCTCTCCCCGCGGTGCGTGCCGCCCCCGCCCCGGGCCCCCGCACGCCTCACCTGC[G>GC]CCCCCCGCCGCTGGCCGGCACGCCTCTGGGCGCAGGGACAGGGGCTGCGACGCGATGGTG-3'

ClinVar aggregate classification (germline): Uncertain significance (1 of 4 stars; one submission).

Conditions:
Susceptibility to respiratory infections associated with CD8alpha chain mutation (IMD116). Also called: Cd8 deficiency, familial; IMMUNODEFICIENCY 116. Identifiers: Orphanet 169085, MedGen C1837065, MONDO:0012161, OMIM 608957.

Submission:

Labcorp Genetics (formerly Invitae), Labcorp
Classification: Uncertain significance for Susceptibility to respiratory infections associated with CD8alpha chain mutation. Last evaluated: 2020-02-11. Review status: criteria provided, single submitter. Criteria: Invitae Variant Classification Sherloc (09022015). Collection method: clinical testing. Allele origin: germline.
Comment: This sequence change creates a premature translational stop signal (p.Ala171Argfs*12) in the CD8A gene. It is expected to result in an absent or disrupted protein product. The frequency data for this variant in the population databases is considered unreliable, as metrics indicate insufficient coverage at this position in the ExAC database. This variant has not been reported in the literature in individuals with CD8A-related conditions. The current clinical and genetic evidence is not sufficient to establish whether loss-of-function variants in CD8A cause disease. In summary, the available evidence is currently insufficient to determine the role of this variant in disease. Therefore, it has been classified as a Variant of Uncertain Significance.